The following is an entry in ClinVar:

NM_000051.4(ATM):c.8440G>A (p.Glu2814Lys)

Genes: ATM (ATM serine/threonine kinase; plus strand), C11orf65 (chromosome 11 open reading frame 65; minus strand). Cytogenetic location: 11q22.3.
Variant type: single nucleotide variant.
Coding change: c.8440G>A on transcript NM_000051.4 (MANE Select); coding-DNA position 8440, G replaced by A.
Protein change: p.Glu2814Lys; replaces glutamic acid 2814 with lysine.
Molecular consequence: missense variant. On other transcripts: intron variant (2).
Genome position (GRCh38, 1-based): chr11:108,345,764, G>A. VCF-style: chr11-108345764-G-A. GRCh37 (hg19) VCF-style: chr11-108216491-G-A.
Other names: c.8440G>A, p.Glu2814Lys (NM_001351834.2); c.641-36693C>T (NM_001330368.2); c.695-10472C>T (NM_001351110.2); short protein forms E2814K.
Identifiers: ClinVar variation 1503842 (VCV001503842.7), dbSNP rs2137025722, ClinGen allele CA382517813.

ClinVar aggregate classification (germline): Uncertain significance. Review status: criteria provided, multiple submitters, no conflicts (2 of 4 stars). 2 submissions from 2 submitters: Uncertain significance (2). Last evaluated 2026-06-22.

Conditions:
Hereditary cancer-predisposing syndrome. Also called: Neoplastic Syndromes, Hereditary; Tumor predisposition; Hereditary Cancer Syndrome; Hereditary neoplastic syndrome. Identifiers: Orphanet 140162, MedGen C0027672, MeSH D009386, MONDO:0015356.
Ataxia-telangiectasia syndrome (AT). Also called: LOUIS-BAR SYNDROME; Cerebello-oculocutaneous telangiectasia; Immunodeficiency with ataxia telangiectasia; Ataxia telangiectasia (A-T); Ataxia-telangiectasia, complementation group D; AT, COMPLEMENTATION GROUP C. Identifiers: Orphanet 100, MedGen C0004135, MONDO:0008840, OMIM 208900.

Submissions (2):

Ambry Genetics
Classification: Uncertain significance for Hereditary cancer-predisposing syndrome. Last evaluated: 2026-06-22. Review status: criteria provided, single submitter. Criteria: Ambry Variant Classification Scheme 2023. Collection method: clinical testing. Allele origin: germline.
Comment: The p.E2814K variant (also known as c.8440G>A), located in coding exon 57 of the ATM gene, results from a G to A substitution at nucleotide position 8440. The glutamic acid at codon 2814 is replaced by lysine, an amino acid with similar properties. This amino acid position is well conserved in available vertebrate species. In addition, this alteration is predicted to be tolerated by in silico analysis. Based on the available evidence, the clinical significance of this variant remains unclear.

Labcorp Genetics (formerly Invitae), Labcorp
Classification: Uncertain significance for Ataxia-telangiectasia syndrome. Last evaluated: 2021-08-14. Review status: criteria provided, single submitter. Criteria: Invitae Variant Classification Sherloc (09022015). Collection method: clinical testing. Allele origin: germline.
Comment: This sequence change replaces glutamic acid with lysine at codon 2814 of the ATM protein (p.Glu2814Lys). The glutamic acid residue is moderately conserved and there is a small physicochemical difference between glutamic acid and lysine. This variant is not present in population databases (ExAC no frequency). This variant has not been reported in the literature in individuals affected with ATM-related conditions. Algorithms developed to predict the effect of missense changes on protein structure and function are either unavailable or do not agree on the potential impact of this missense change (SIFT: "Tolerated"; PolyPhen-2: "Possibly Damaging"; Align-GVGD: "Class C15"). In summary, the available evidence is currently insufficient to determine the role of this variant in disease. Therefore, it has been classified as a Variant of Uncertain Significance.